The following is an entry in ClinVar:

ClinVar aggregate classification (germline): Conflicting classifications of pathogenicity. Review status: criteria provided, conflicting classifications (1 of 4 stars). 10 submissions from 6 submitters: Uncertain significance (1); Benign (4); Likely benign (4). 1 of the submissions does not count toward it. Last evaluated 2025-12-15.

Conditions:
Crouzon syndrome. Also called: CRANIOFACIAL DYSOSTOSIS, TYPE I; Craniofacial dysostosis type 1; Crouzon craniofacial dysostosis; Crouzon disease; Craniofacial dysostosis. Identifiers: Orphanet 207, MedGen C0010273, MeSH D003394, MONDO:0007405, OMIM 123500, HP:0004439.
Beare-Stevenson cutis gyrata syndrome (BSTVS). Identifiers: Orphanet 1555, MedGen C1852406, MONDO:0007412, OMIM 123790.
Craniosynostosis syndrome. Also called: Craniosynostosis. Identifiers: Orphanet 1531, MedGen C0010278, MeSH D003398, MONDO:0015469, HP:0001363.
Isolated Coronal Synostosis. Identifiers: MedGen CN043619.
Saethre-Chotzen syndrome (SCS). Also called: ACROCEPHALY, SKULL ASYMMETRY, AND MILD SYNDACTYLY; ACS III; CHOTZEN SYNDROME. Identifiers: Orphanet 794, MedGen C0175699, MONDO:0007042, OMIM 101400.
FGFR2-related disorder. Identifiers: MedGen CN380096.
FGFR2-related craniosynostosis. Identifiers: MedGen CN231480.

Allele frequency attached by ClinVar (database versions not stated): gnomAD exomes 0.00027 and 0.00042; ExAC 0.00032; TOPMed 0.00032; gnomAD 0.00036 and 0.00040; ESP Exome Variant Server 0.00038.
gnomAD v4.1: 677 of 1,614,078 alleles (0.042%); highest among the groups gnomAD compares: Non-Finnish European, 0.051%; no homozygotes.

Submissions (10):

Labcorp Genetics (formerly Invitae), Labcorp
Classification: Benign for FGFR2-related craniosynostosis. Last evaluated: 2025-12-15. Review status: criteria provided, single submitter. Criteria: Invitae Variant Classification Sherloc (09022015). Collection method: clinical testing. Allele origin: germline.

Mayo Clinic Laboratories, Mayo Clinic
Classification: Likely benign. Last evaluated: 2025-05-30. Review status: criteria provided, single submitter. Criteria: ACMG Guidelines, 2015. Collection method: clinical testing. Allele origin: germline. Observed: 1 variant allele.
Comment: BS1, BP4, BP7

Blueprint Genetics
Classification: Likely benign. Last evaluated: 2024-11-23. Review status: criteria provided, single submitter. Criteria: ACMG Guidelines, 2015. Collection method: clinical testing. Allele origin: germline.

GeneDx
Classification: Likely benign. Last evaluated: 2020-08-18. Review status: criteria provided, single submitter. Criteria: GeneDx Variant Classification Process June 2021. Collection method: clinical testing. Allele origin: germline. Affected: yes.
Comment: This variant is associated with the following publications: (PMID: 25425289)

Illumina Laboratory Services, Illumina
Classification: Likely benign for Saethre-Chotzen syndrome. Last evaluated: 2017-05-23. Review status: criteria provided, single submitter. Criteria: ICSL Variant Classification Criteria 13 December 2019. Collection method: clinical testing. Allele origin: germline.
Comment: This variant was observed as part of a predisposition screen in an ostensibly healthy population. A literature search was performed for the gene, cDNA change, and amino acid change (where applicable). No publications were found based on this search. Allele frequency data from public databases allowed determination this variant is unlikely to cause disease. Therefore, this variant is classified as likely benign.

Illumina Laboratory Services, Illumina
Classification: Benign for Crouzon syndrome. Last evaluated: 2017-05-23. Review status: criteria provided, single submitter. Criteria: ICSL Variant Classification Criteria 13 December 2019. Collection method: clinical testing. Allele origin: germline.
Comment: This variant was observed as part of a predisposition screen in an ostensibly healthy population. A literature search was performed for the gene, cDNA change, and amino acid change (where applicable). No publications were found based on this search. Allele frequency data from public databases was too high to be consistent with this variant causing disease. Therefore, this variant is classified as benign.

Illumina Laboratory Services, Illumina
Classification: Benign for Beare-Stevenson cutis gyrata syndrome. Last evaluated: 2017-05-23. Review status: criteria provided, single submitter. Criteria: ICSL Variant Classification Criteria 13 December 2019. Collection method: clinical testing. Allele origin: germline.
Comment: the same text as in the submission from Illumina Laboratory Services, Illumina above.

Illumina Laboratory Services, Illumina
Classification: Benign for Craniosynostosis. Last evaluated: 2017-05-23. Review status: criteria provided, single submitter. Criteria: ICSL Variant Classification Criteria 13 December 2019. Collection method: clinical testing. Allele origin: germline.
Comment: the same text as in the submission from Illumina Laboratory Services, Illumina above.

Illumina Laboratory Services, Illumina
Classification: Uncertain significance for Isolated coronal synostosis. Last evaluated: 2017-04-27. Review status: criteria provided, single submitter. Criteria: ICSL Variant Classification Criteria 13 December 2019. Collection method: clinical testing. Allele origin: germline.

PreventionGenetics, part of Exact Sciences
Classification: Likely benign for FGFR2-related condition. Last evaluated: 2019-07-15. Review status: no assertion criteria provided. Collection method: clinical testing. Allele origin: germline. Not counted in ClinVar's aggregate classification.
Comment: This variant is classified as likely benign based on ACMG/AMP sequence variant interpretation guidelines (Richards et al. 2015 PMID: 25741868, with internal and published modifications).

NM_000141.5(FGFR2):c.2190C>T (p.Asn730=)

Gene: FGFR2 (fibroblast growth factor receptor 2; minus strand). Cytogenetic location: 10q26.13.
Variant type: single nucleotide variant.
Coding change: c.2190C>T on transcript NM_000141.5 (MANE Select); coding-DNA position 2190, C replaced by T.
Protein change: p.Asn730=; no amino-acid change (asparagine 730 retained).
Molecular consequence: synonymous variant. On other transcripts: non-coding transcript variant (1).
Genome position (GRCh38, 1-based): chr10:121,485,400, G>A on the plus strand (C>T on the coding strand, the complement: FGFR2 is on the minus strand). VCF-style: chr10-121485400-G-A. GRCh37 (hg19) VCF-style: chr10-123244914-G-A.
Other names: p.Asn730=; c.2193C>T, p.Asn731= (NM_001144913.1, NM_022970.4); c.1854C>T, p.Asn618= (NM_001144914.1); c.1923C>T, p.Asn641= (NM_001144915.2, NM_023029.3); c.1845C>T, p.Asn615= (NM_001144916.2); c.1842C>T, p.Asn614= (NM_001144917.2); c.1839C>T, p.Asn613= (NM_001144918.2); c.1926C>T, p.Asn642= (NM_001144919.2); and 2 more.
Identifiers: ClinVar variation 514067 (VCV000514067.19), dbSNP rs55637244, ClinGen allele CA5720545.